The following is an entry in ClinVar:

NM_001145809.2(MYH14):c.3068C>T (p.Ala1023Val)

Gene: MYH14 (myosin heavy chain 14; plus strand). Cytogenetic location: 19q13.33.
Variant type: single nucleotide variant.
Coding change: c.3068C>T on transcript NM_001145809.2 (MANE Select); coding-DNA position 3068, C replaced by T.
Protein change: p.Ala1023Val; replaces alanine 1023 with valine.
Molecular consequence: missense variant.
Genome position (GRCh38, 1-based): chr19:50,271,443, C>T. VCF-style: chr19-50271443-C-T. GRCh37 (hg19) VCF-style: chr19-50774700-C-T.
Other names: c.2969C>T, p.Ala990Val (NM_001077186.2); c.2945C>T, p.Ala982Val (NM_024729.4); short protein forms A982V, A1023V, A990V.
Identifiers: ClinVar variation 2242215 (VCV002242215.6), dbSNP rs770972513, ClinGen allele CA9593104.

ClinVar aggregate classification (germline): Uncertain significance. Review status: criteria provided, multiple submitters, no conflicts (2 of 4 stars). 3 submissions from 3 submitters: Uncertain significance (3). Last evaluated 2024-02-21.

Conditions:
Inborn genetic diseases. Identifiers: MedGen C0950123, MeSH D030342.

Allele frequency attached by ClinVar (database versions not stated): ExAC 0.00006.
gnomAD v4.1: 43 of 1,606,012 alleles (0.0027%); highest among the groups gnomAD compares: East Asian, 0.016%; no homozygotes.

Submissions (3):

Blueprint Genetics
Classification: Uncertain significance. Last evaluated: 2024-02-21. Review status: criteria provided, single submitter. Criteria: ACMG Guidelines, 2015. Collection method: clinical testing. Allele origin: germline.

Labcorp Genetics (formerly Invitae), Labcorp
Classification: Uncertain significance. Last evaluated: 2023-11-22. Review status: criteria provided, single submitter. Criteria: Invitae Variant Classification Sherloc (09022015). Collection method: clinical testing. Allele origin: germline.
Comment: This sequence change replaces alanine, which is neutral and non-polar, with valine, which is neutral and non-polar, at codon 982 of the MYH14 protein (p.Ala982Val). The frequency data for this variant in the population databases is considered unreliable, as metrics indicate poor data quality at this position in the gnomAD database. This missense change has been observed in individual(s) with deafness (PMID: 31045651). This variant is also known as c.3068C>T (p.Ala1023Val). ClinVar contains an entry for this variant (Variation ID: 2242215). Advanced modeling of protein sequence and biophysical properties (such as structural, functional, and spatial information, amino acid conservation, physicochemical variation, residue mobility, and thermodynamic stability) performed at Invitae indicates that this missense variant is not expected to disrupt MYH14 protein function with a negative predictive value of 80%. In summary, the available evidence is currently insufficient to determine the role of this variant in disease. Therefore, it has been classified as a Variant of Uncertain Significance.

Ambry Genetics
Classification: Uncertain significance for Inborn genetic diseases. Last evaluated: 2021-08-09. Review status: criteria provided, single submitter. Criteria: Ambry Variant Classification Scheme 2023. Collection method: clinical testing. Allele origin: germline.

Literature cited by the submitters: PubMed 31045651 (cited by Labcorp Genetics (formerly Invitae), Labcorp).